The following is an entry in ClinVar:

NM_017780.4(CHD7):c.560A>G (p.Gln187Arg)

Gene: CHD7 (chromodomain helicase DNA binding protein 7; plus strand). Cytogenetic location: 8q12.2.
Variant type: single nucleotide variant.
Coding change: c.560A>G on transcript NM_017780.4 (MANE Select); coding-DNA position 560, A replaced by G.
Protein change: p.Gln187Arg; replaces glutamine 187 with arginine.
Molecular consequence: missense variant.
Genome position (GRCh38, 1-based): chr8:60,741,992, A>G. VCF-style: chr8-60741992-A-G. GRCh37 (hg19) VCF-style: chr8-61654551-A-G.
Other names: c.560A>G, p.Gln187Arg (NM_001316690.1); short protein forms Q187R.
Identifiers: ClinVar variation 2845751 (VCV002845751.3), dbSNP rs1809054864, ClinGen allele CA371297996.

ClinVar aggregate classification (germline): Uncertain significance (1 of 4 stars; one submission).

Conditions:
CHARGE syndrome (CHARGE). Also called: Hittner Hirsch Kreh syndrome; CHARGE ASSOCIATION--COLOBOMA, HEART ANOMALY, CHOANAL ATRESIA, RETARDATION, GENITAL AND EAR ANOMALIES; Coloboma, heart anomaly, choanal atresia, retardation, genital and ear anomalies; CHARGE association; Hall-Hittner syndrome. Identifiers: Orphanet 138, MedGen C0265354, MONDO:0008965.

Submission:

Labcorp Genetics (formerly Invitae), Labcorp
Classification: Uncertain significance for CHARGE syndrome. Last evaluated: 2023-03-14. Review status: criteria provided, single submitter. Criteria: Invitae Variant Classification Sherloc (09022015). Collection method: clinical testing. Allele origin: germline.
Comment: In summary, the available evidence is currently insufficient to determine the role of this variant in disease. Therefore, it has been classified as a Variant of Uncertain Significance. Advanced modeling of protein sequence and biophysical properties (such as structural, functional, and spatial information, amino acid conservation, physicochemical variation, residue mobility, and thermodynamic stability) performed at Invitae indicates that this missense variant is not expected to disrupt CHD7 protein function. This variant has not been reported in the literature in individuals affected with CHD7-related conditions. This variant is not present in population databases (gnomAD no frequency). This sequence change replaces glutamine, which is neutral and polar, with arginine, which is basic and polar, at codon 187 of the CHD7 protein (p.Gln187Arg).